The following is an entry in ClinVar:

ClinVar aggregate classification (germline): Uncertain significance (1 of 4 stars; one submission).

Conditions:
Hereditary cancer-predisposing syndrome. Also called: Hereditary Cancer Syndrome; Hereditary neoplastic syndrome; Tumor predisposition; Neoplastic Syndromes, Hereditary. Identifiers: Orphanet 140162, MedGen C0027672, MeSH D009386, MONDO:0015356.

Allele frequency attached by ClinVar (database versions not stated): gnomAD exomes below 0.00001.
gnomAD v4.1: 1 of 1,614,208 alleles (0.000062%); highest among the groups gnomAD compares: Non-Finnish European, 0.000085%; no homozygotes.

Submission:

Ambry Genetics
Classification: Uncertain significance for Hereditary cancer-predisposing syndrome. Last evaluated: 2021-11-09. Review status: criteria provided, single submitter. Criteria: Ambry Variant Classification Scheme 2023. Collection method: clinical testing. Allele origin: germline.
Comment: The p.D779N variant (also known as c.2335G>A), located in coding exon 15 of the PTCH1 gene, results from a G to A substitution at nucleotide position 2335. The aspartic acid at codon 779 is replaced by asparagine, an amino acid with highly similar properties. This amino acid position is highly conserved in available vertebrate species. In addition, the in silico prediction for this alteration is inconclusive. Since supporting evidence is limited at this time, the clinical significance of this alteration remains unclear.

NM_000264.5(PTCH1):c.2335G>A (p.Asp779Asn)

Genes: PTCH1 (patched 1; minus strand), LOC100507346 (uncharacterized LOC100507346; plus strand). Cytogenetic location: 9q22.32.
Variant type: single nucleotide variant.
Coding change: c.2335G>A on transcript NM_000264.5 (MANE Select); coding-DNA position 2335, G replaced by A.
Protein change: p.Asp779Asn; replaces aspartic acid 779 with asparagine.
Molecular consequence: missense variant. On other transcripts: non-coding transcript variant (1).
Genome position (GRCh38, 1-based): chr9:95,467,341, C>T on the plus strand (G>A on the coding strand, the complement: PTCH1 is on the minus strand). VCF-style: chr9-95467341-C-T. GRCh37 (hg19) VCF-style: chr9-98229623-C-T.
Other names: c.2137G>A, p.Asp713Asn (NM_001083602.3); c.2332G>A, p.Asp778Asn (NM_001083603.3); c.1882G>A, p.Asp628Asn (NM_001083604.3, NM_001083605.3, NM_001083606.3 and 1 more transcripts); c.2179G>A, p.Asp727Asn (NM_001354918.2); short protein forms D778N, D779N, D628N, D727N, D713N.
Identifiers: ClinVar variation 1789771 (VCV001789771.2), dbSNP rs1323606391, ClinGen allele CA374114572.